The following is an entry in ClinVar:

ClinVar aggregate classification (germline): Likely benign. Review status: criteria provided, multiple submitters, no conflicts (2 of 4 stars). 3 submissions from 3 submitters: Likely benign (3). Last evaluated 2025-12-15.

Conditions:
Short-rib thoracic dysplasia 13 with or without polydactyly (SRTD13). Identifiers: Orphanet 474, MedGen C4225378, MONDO:0014577, OMIM 616300.

Allele frequency attached by ClinVar (database versions not stated): ExAC 0.00012; gnomAD exomes 0.00019; TOPMed 0.00019; gnomAD 0.00022; 1000 Genomes Project 30x 0.00047; 1000 Genomes Project 0.00060.

Submissions (3):

Labcorp Genetics (formerly Invitae), Labcorp
Classification: Likely benign for Short-rib thoracic dysplasia 13 with or without polydactyly. Last evaluated: 2025-12-15. Review status: criteria provided, single submitter. Criteria: Invitae Variant Classification Sherloc (09022015). Collection method: clinical testing. Allele origin: germline.

Blueprint Genetics
Classification: Likely benign. Last evaluated: 2024-10-07. Review status: criteria provided, single submitter. Criteria: ACMG Guidelines, 2015. Collection method: clinical testing. Allele origin: germline.

CeGaT Center for Human Genetics Tuebingen
Classification: Likely benign. Last evaluated: 2024-01-01. Review status: criteria provided, single submitter. Criteria: CeGaT Center For Human Genetics Tuebingen Variant Classification Criteria Version 2. Collection method: clinical testing. Allele origin: germline. Affected: yes. Observed: 1 variant allele.
Comment: CEP120: BP4, BP7

NM_001375405.1(CEP120):c.303C>T (p.Thr101=)

Gene: CEP120 (centrosomal protein 120; minus strand). Cytogenetic location: 5q23.2.
Variant type: single nucleotide variant.
Coding change: c.303C>T on transcript NM_001375405.1 (MANE Select); coding-DNA position 303, C replaced by T.
Protein change: p.Thr101=; no amino-acid change (threonine 101 retained).
Molecular consequence: synonymous variant. On other transcripts: 5 prime UTR variant (2), non-coding transcript variant (1).
Genome position (GRCh38, 1-based): chr5:123,416,028, G>A on the plus strand (C>T on the coding strand, the complement: CEP120 is on the minus strand). VCF-style: chr5-123416028-G-A. GRCh37 (hg19) VCF-style: chr5-122751722-G-A.
Other names: c.225C>T, p.Thr75= (NM_001166226.2); c.303C>T, p.Thr101= (NM_001375406.1, NM_001375407.1, NM_153223.4); c.-446C>T (NM_001375408.1); c.-388C>T (NM_001375409.1).
Identifiers: ClinVar variation 2037287 (VCV002037287.27), dbSNP rs535466953, ClinGen allele CA3387291.